The following is an entry in ClinVar:

NM_002103.5(GYS1):c.754G>A (p.Ala252Thr)

Gene: GYS1 (glycogen synthase 1; minus strand). Cytogenetic location: 19q13.33.
Variant type: single nucleotide variant.
Coding change: c.754G>A on transcript NM_002103.5 (MANE Select); coding-DNA position 754, G replaced by A.
Protein change: p.Ala252Thr; replaces alanine 252 with threonine.
Molecular consequence: missense variant. On other transcripts: non-coding transcript variant (1).
Genome position (GRCh38, 1-based): chr19:48,985,530, C>T on the plus strand (G>A on the coding strand, the complement: GYS1 is on the minus strand). VCF-style: chr19-48985530-C-T. GRCh37 (hg19) VCF-style: chr19-49488787-C-T.
Other names: c.562G>A, p.Ala188Thr (NM_001161587.2); short protein forms A252T, A188T.
Identifiers: ClinVar variation 391854 (VCV000391854.6), dbSNP rs376523274, ClinGen allele CA16609010.

ClinVar aggregate classification (germline): Uncertain significance. Review status: criteria provided, multiple submitters, no conflicts (2 of 4 stars). 2 submissions from 2 submitters: Uncertain significance (2). Last evaluated 2022-06-20.

Conditions:
Glycogen storage disease due to muscle and heart glycogen synthase deficiency. Also called: GSD 0b; MUSCLE GLYCOGEN SYNTHASE DEFICIENCY. Identifiers: Orphanet 137625, MedGen C1969054, MONDO:0012693, OMIM 611556.

Allele frequency attached by ClinVar (database versions not stated): gnomAD 0.00001; gnomAD exomes 0.00001; TOPMed 0.00002.
gnomAD v4.1: 26 of 1,613,878 alleles (0.0016%); highest among the groups gnomAD compares: East Asian, 0.016%; no homozygotes.

Submissions (2):

Labcorp Genetics (formerly Invitae), Labcorp
Classification: Uncertain significance for Glycogen storage disease due to muscle and heart glycogen synthase deficiency. Last evaluated: 2022-06-20. Review status: criteria provided, single submitter. Criteria: Invitae Variant Classification Sherloc (09022015). Collection method: clinical testing. Allele origin: germline.
Comment: This sequence change replaces alanine, which is neutral and non-polar, with threonine, which is neutral and polar, at codon 252 of the GYS1 protein (p.Ala252Thr). This variant is present in population databases (rs376523274, gnomAD 0.006%). This variant has not been reported in the literature in individuals affected with GYS1-related conditions. ClinVar contains an entry for this variant (Variation ID: 391854). Algorithms developed to predict the effect of missense changes on protein structure and function output the following: SIFT: "Deleterious"; PolyPhen-2: "Benign"; Align-GVGD: "Class C0". The threonine amino acid residue is found in multiple mammalian species, which suggests that this missense change does not adversely affect protein function. In summary, the available evidence is currently insufficient to determine the role of this variant in disease. Therefore, it has been classified as a Variant of Uncertain Significance.

GeneDx
Classification: Uncertain significance. Last evaluated: 2017-01-09. Review status: criteria provided, single submitter. Criteria: GeneDx Variant Classification (06012015). Collection method: clinical testing. Allele origin: germline. Affected: yes.
Comment: The A252T variant in the GYS1 gene has not been reported previously as a pathogenic variant, nor as a benign variant, to our knowledge. The A252T variant was not observed in approximately 6,500 individuals of European and African American ancestry in the NHLBI Exome Sequencing Project, indicating it is not a common benign variant in these populations. The A252T variant is a non-conservative amino acid substitution, which is likely to impact secondary protein structure as these residues differ in polarity, charge, size and/or other properties. This substitution occurs at a position that is conserved in mammals. In silico analysis predicts this variant is probably damaging to the protein structure/function. We interpret A252T as a variant of uncertain significance.